The following is an entry in ClinVar:

ClinVar aggregate classification (germline): Uncertain significance. Review status: criteria provided, multiple submitters, no conflicts (2 of 4 stars). 2 submissions from 2 submitters: Uncertain significance (2). Last evaluated 2024-07-30.

Conditions:
Inborn genetic diseases. Identifiers: MedGen C0950123, MeSH D030342.
Deficiency of ferroxidase (ACEP). Also called: NEURODEGENERATION WITH BRAIN IRON ACCUMULATION 10; Aceruloplasminemia; Ceruloplasmin deficiency; Familial apoceruloplasmin deficiency; Hereditary ceruloplasmin deficiency; Deficiency of ceruloplasmin. Identifiers: Orphanet 48818, MedGen C0878682, MONDO:0011426, OMIM 604290, HP:0025498.

Allele frequency attached by ClinVar (database versions not stated): gnomAD exomes below 0.00001; gnomAD 0.00002; TOPMed 0.00002; ESP Exome Variant Server 0.00008.
gnomAD v4.1: 7 of 1,614,040 alleles (0.00043%); highest among the groups gnomAD compares: African/African-American, 0.0053%; no homozygotes.

Submissions (2):

Ambry Genetics
Classification: Uncertain significance for Inborn genetic diseases. Last evaluated: 2024-07-30. Review status: criteria provided, single submitter. Criteria: Ambry Variant Classification Scheme 2023. Collection method: clinical testing. Allele origin: germline.

Labcorp Genetics (formerly Invitae), Labcorp
Classification: Uncertain significance for Deficiency of ferroxidase. Last evaluated: 2022-07-30. Review status: criteria provided, single submitter. Criteria: Invitae Variant Classification Sherloc (09022015). Collection method: clinical testing. Allele origin: germline.
Comment: This sequence change replaces threonine, which is neutral and polar, with isoleucine, which is neutral and non-polar, at codon 664 of the CP protein (p.Thr664Ile). This variant is present in population databases (rs143306097, gnomAD 0.02%). This variant has not been reported in the literature in individuals affected with CP-related conditions. Advanced modeling of protein sequence and biophysical properties (such as structural, functional, and spatial information, amino acid conservation, physicochemical variation, residue mobility, and thermodynamic stability) performed at Invitae indicates that this missense variant is expected to disrupt CP protein function. In summary, the available evidence is currently insufficient to determine the role of this variant in disease. Therefore, it has been classified as a Variant of Uncertain Significance.

NM_000096.4(CP):c.1991C>T (p.Thr664Ile)

Gene: CP (ceruloplasmin; minus strand). Cytogenetic location: 3q24.
Variant type: single nucleotide variant.
Coding change: c.1991C>T on transcript NM_000096.4 (MANE Select); coding-DNA position 1991, C replaced by T.
Protein change: p.Thr664Ile; replaces threonine 664 with isoleucine.
Molecular consequence: missense variant.
Genome position (GRCh38, 1-based): chr3:149,186,606, G>A on the plus strand (C>T on the coding strand, the complement: CP is on the minus strand). VCF-style: chr3-149186606-G-A. GRCh37 (hg19) VCF-style: chr3-148904393-G-A.
Other names: c.1991C>T (NM_000096.3); short protein forms T664I.
Identifiers: ClinVar variation 1904068 (VCV001904068.6), dbSNP rs143306097, ClinGen allele CA85535312.